The following is an entry in ClinVar:

NM_001211.6(BUB1B):c.2758G>A (p.Val920Met)

Genes: BUB1B (BUB1 mitotic checkpoint serine/threonine kinase B; plus strand), BUB1B-PAK6 (BUB1B-PAK6 readthrough; plus strand). Cytogenetic location: 15q15.1.
Variant type: single nucleotide variant.
Coding change: c.2758G>A on transcript NM_001211.6 (MANE Select); coding-DNA position 2758, G replaced by A.
Protein change: p.Val920Met; replaces valine 920 with methionine.
Molecular consequence: missense variant. On other transcripts: 5 prime UTR variant (2).
Genome position (GRCh38, 1-based): chr15:40,217,575, G>A. VCF-style: chr15-40217575-G-A. GRCh37 (hg19) VCF-style: chr15-40509776-G-A.
Other names: c.-293G>A (NM_001128628.3); c.-210G>A (NM_001128629.3); short protein forms V920M.
Identifiers: ClinVar variation 4599990 (VCV004599990.1).
Genomic context (GRCh38, chr15:40,217,575, plus strand): 5'-TGTAACAAGAACAATCAAGCTTTGAAGATAGTGGACTTTTCCTACAGTGTTGACCTTAGG[G>A]TGCAGCTGGATGTTTTTACCCTCAGCGGCTTTCGGACTGTACAGATCCTGGAAGGACAAA-3'
Protein context (NP_001202.5, residues 910-930): VDFSYSVDLR[Val920Met]QLDVFTLSGF

ClinVar aggregate classification (germline): Uncertain significance (1 of 4 stars; one submission).

Conditions:
Inborn genetic diseases. Identifiers: MedGen C0950123, MeSH D030342.

gnomAD v4.1: 3 of 1,614,158 alleles (0.00019%); highest among the groups gnomAD compares: Non-Finnish European, 0.00017%; no homozygotes.

Submission:

Ambry Genetics
Classification: Uncertain significance for Inborn genetic diseases. Last evaluated: 2025-11-22. Review status: criteria provided, single submitter. Criteria: Ambry Variant Classification Scheme 2023. Collection method: clinical testing. Allele origin: germline.
Comment: The p.V920M variant (also known as c.2758G>A), located in coding exon 21 of the BUB1B gene, results from a G to A substitution at nucleotide position 2758. The valine at codon 920 is replaced by methionine, an amino acid with highly similar properties. This amino acid position is conserved. In addition, this alteration is predicted to be tolerated by in silico analysis. Based on the available evidence, the clinical significance of this variant remains unclear.